The following is an entry in ClinVar:

ClinVar aggregate classification (germline): Benign/Likely benign. Review status: criteria provided, multiple submitters, no conflicts (2 of 4 stars). 11 submissions from 10 submitters: Benign (9); Likely benign (1). 1 of the submissions does not count toward it. Last evaluated 2026-10-01.

Conditions:
Rothmund-Thomson syndrome type 2 (RTS2). Identifiers: Orphanet 221016, MedGen C5203410, MONDO:0016369, OMIM 268400.
Baller-Gerold syndrome (BGS). Also called: CRANIOSYNOSTOSIS WITH RADIAL DEFECTS. Identifiers: Orphanet 1225, MedGen C0265308, MONDO:0009039, OMIM 218600.
Rapadilino syndrome. Identifiers: Orphanet 3021, MedGen C1849453, MONDO:0009955, OMIM 266280.

Allele frequency attached by ClinVar (database versions not stated): 1000 Genomes Project 30x 0.00671; ESP Exome Variant Server 0.00644; gnomAD 0.00869 and 0.00913; 1000 Genomes Project 0.00539; TOPMed 0.00864; ExAC 0.01114.
gnomAD v4.1: 15,646 of 1,571,768 alleles (1%); highest among the groups gnomAD compares: Middle Eastern, 2.8%; 97 homozygotes.

Submissions (11):

CeGaT Center for Human Genetics Tuebingen
Classification: Benign. Last evaluated: 2026-10-01. Review status: criteria provided, single submitter. Criteria: CeGaT Center For Human Genetics Tuebingen Variant Classification Criteria Version 2. Collection method: clinical testing. Allele origin: germline. Affected: yes. Observed: 115 variant alleles.
Comment: RECQL4: BP4, BS1, BS2

Labcorp Genetics (formerly Invitae), Labcorp
Classification: Benign for Baller-Gerold syndrome. Last evaluated: 2026-02-03. Review status: criteria provided, single submitter. Criteria: Invitae Variant Classification Sherloc (09022015). Collection method: clinical testing. Allele origin: germline.

KCCC/NGS Laboratory, Kuwait Cancer Control Center
Classification: Benign for Rapadilino syndrome. Last evaluated: 2025-02-01. Review status: criteria provided, single submitter. Criteria: ACMG Guidelines, 2015. Collection method: clinical testing. Allele origin: germline. Affected: no.

Blueprint Genetics
Classification: Likely benign. Last evaluated: 2024-11-27. Review status: criteria provided, single submitter. Criteria: ACMG Guidelines, 2015. Collection method: clinical testing. Allele origin: germline.

Mayo Clinic Laboratories, Mayo Clinic
Classification: Benign. Last evaluated: 2024-05-02. Review status: criteria provided, single submitter. Criteria: ACMG Guidelines, 2015. Collection method: clinical testing. Allele origin: germline. Observed: 10 variant alleles.
Comment: BS1, BS2, BP4

KCCC/NGS Laboratory, Kuwait Cancer Control Center
Classification: Benign for Rothmund-Thomson syndrome type 2. Last evaluated: 2023-07-07. Review status: criteria provided, single submitter. Criteria: ACMG Guidelines, 2015. Collection method: clinical testing. Allele origin: germline. Affected: yes.

Genetic Services Laboratory, University of Chicago
Classification: Benign. Last evaluated: 2021-12-02. Review status: criteria provided, single submitter. Criteria: ACMG Guidelines, 2015. Collection method: clinical testing. Allele origin: germline. Affected: no.

GeneDx
Classification: Benign. Last evaluated: 2015-03-03. Review status: criteria provided, single submitter. Criteria: GeneDx Variant Classification Process June 2021. Collection method: clinical testing. Allele origin: germline. Affected: yes.

Eurofins Ntd Llc (ga)
Classification: Benign. Last evaluated: 2013-03-04. Review status: criteria provided, single submitter. Criteria: EGL Classification Definitions 2015. Collection method: clinical testing. Allele origin: germline. Observed: 3 variant alleles, 3 heterozygotes.

Breakthrough Genomics
Classification: Benign. Review status: criteria provided, single submitter. Criteria: ACMG Guidelines, 2015. Collection method: not provided. Allele origin: germline. Inheritance: Autosomal recessive inheritance. Affected: yes.

ITMI
No classification provided. Condition: AllHighlyPenetrant. Last evaluated: 2013-09-19. Review status: no classification provided. Collection method: reference population. Allele origin: germline. Not counted in ClinVar's aggregate classification.
Comment: Please see associated publication for description of ethnicities

Literature cited by the submitters: PubMed 24728327 (cited by ITMI).

NM_004260.4(RECQL4):c.2636C>A (p.Pro879His)

Gene: RECQL4 (RecQ like helicase 4; minus strand). Cytogenetic location: 8q24.3.
Variant type: single nucleotide variant.
Coding change: c.2636C>A on transcript NM_004260.4 (MANE Select); coding-DNA position 2636, C replaced by A.
Protein change: p.Pro879His; replaces proline 879 with histidine.
Molecular consequence: missense variant.
Genome position (GRCh38, 1-based): chr8:144,512,966, G>T on the plus strand (C>A on the coding strand, the complement: RECQL4 is on the minus strand). VCF-style: chr8-144512966-G-T. GRCh37 (hg19) VCF-style: chr8-145738349-G-T.
Other names: short protein forms P879H.
Identifiers: ClinVar variation 94890 (VCV000094890.44), dbSNP rs137975310, ClinGen allele CA147885.
Genomic context (GRCh38, chr8:144,512,966, plus strand): 5'-CCCATGCAGACCCTTCTGGGTCCTGGGGCTGCTTGGTGGCTAAGCTGCTCAGCCTCTTGA[G>T]GGGGGTACTTGGGCACAGGCCTCTCCCCACCCACGGCCCCTTCCTGCTCCGAGGGCGGCC-3'
Protein context (NP_004251.4, residues 869-889): GGERPVPKYP[Pro879His]QEAEQLSHQA